The following is an entry in ClinVar:

ClinVar aggregate classification (germline): Uncertain significance (1 of 4 stars; one submission).

Conditions:
Joubert syndrome 23 (JBTS23). Identifiers: Orphanet 475, MedGen C4084822, MONDO:0014664, OMIM 616490.
Short-rib thoracic dysplasia 14 with polydactyly (SRTD14). Identifiers: Orphanet 397715, MedGen C4225286, MONDO:0014688, OMIM 616546.

Submission:

Labcorp Genetics (formerly Invitae), Labcorp
Classification: Uncertain significance for Joubert syndrome 23; Short-rib thoracic dysplasia 14 with polydactyly. Last evaluated: 2025-10-02. Review status: criteria provided, single submitter. Criteria: Invitae Variant Classification Sherloc (09022015). Collection method: clinical testing. Allele origin: germline.
Comment: This sequence change replaces glutamine, which is neutral and polar, with glutamic acid, which is acidic and polar, at codon 1595 of the KIAA0586 protein (p.Gln1595Glu). This variant is not present in population databases (gnomAD no frequency). This variant has not been reported in the literature in individuals affected with KIAA0586-related conditions. ClinVar contains an entry for this variant (Variation ID: 2940792). An algorithm developed to predict the effect of missense changes on protein structure and function (PolyPhen-2) suggests that this variant is likely to be tolerated. In summary, the available evidence is currently insufficient to determine the role of this variant in disease. Therefore, it has been classified as a Variant of Uncertain Significance.

NM_001329943.3(KIAA0586):c.4539C>G (p.Ala1513=)

Gene: KIAA0586 (KIAA0586; plus strand). Cytogenetic location: 14q23.1.
Variant type: single nucleotide variant.
Coding change: c.4539C>G on transcript NM_001329943.3 (MANE Select); coding-DNA position 4539, C replaced by G.
Protein change: p.Ala1513=; no amino-acid change (alanine 1513 retained).
Molecular consequence: synonymous variant. On other transcripts: missense variant (2).
Genome position (GRCh38, 1-based): chr14:58,547,824, C>G. VCF-style: chr14-58547824-C-G. GRCh37 (hg19) VCF-style: chr14-59014542-C-G.
Other names: c.4783C>G, p.Gln1595Glu (NM_001244189.2); c.4494C>G, p.Ala1498= (NM_001244190.2); c.4284C>G, p.Ala1428= (NM_001244191.2, NM_001364701.2); c.4407C>G, p.Ala1469= (NM_001244192.2, NM_001329947.2); c.4624C>G, p.Gln1542Glu (NM_001329944.2); c.4218C>G, p.Ala1406= (NM_001329945.2); c.4473C>G, p.Ala1491= (NM_001329946.2); c.4311C>G, p.Ala1437= (NM_014749.5); short protein forms Q1542E, Q1595E.
Identifiers: ClinVar variation 2940792 (VCV002940792.3), dbSNP rs1367382425, ClinGen allele CA390059339.
Genomic context (GRCh38, chr14:58,547,824, plus strand): 5'-GCTTCTCCTTTGTGCAGGTGGGAAAGCAGTGCCACTCTCCGCTTCACAGATGCCCCCTGC[C>G]AAGATGTCAGTGATGCTGCCGTCAGTGAACCTCGAGGACTGCTCTCAGTCTCTGAGTCTC-3'
Protein context (NP_001316872.1, residues 1503-1523): VPLSASQMPP[Ala1513=]KMSVMLPSVN